The following is an entry in ClinVar:

ClinVar aggregate classification (germline): Uncertain significance (1 of 4 stars; one submission).

Conditions:
NOTCH2-related disorder. Also called: NOTCH2-related condition.

gnomAD v4.1: 1 of 1,614,202 alleles (0.000062%); highest among the groups gnomAD compares: Non-Finnish European, 0.000085%; no homozygotes.

Submission:

PreventionGenetics, part of Exact Sciences
Classification: Uncertain significance for NOTCH2-related condition. Last evaluated: 2025-01-02. Review status: criteria provided, single submitter. Criteria: ACMG Guidelines, 2015. Collection method: clinical testing. Allele origin: germline.
Comment: The NOTCH2 c.4568A>G variant is predicted to result in the amino acid substitution p.Asn1523Ser. To our knowledge, this variant has not been reported as germline variant in the literature or in a large population database (gnomAD), indicating this variant is rare. At this time, the clinical significance of this variant is uncertain due to the absence of conclusive functional and genetic evidence.

NM_024408.4(NOTCH2):c.4568A>G (p.Asn1523Ser)

Gene: NOTCH2 (notch receptor 2; minus strand). Cytogenetic location: 1p12.
Variant type: single nucleotide variant.
Coding change: c.4568A>G on transcript NM_024408.4 (MANE Select); coding-DNA position 4568, A replaced by G.
Protein change: p.Asn1523Ser; replaces asparagine 1523 with serine.
Molecular consequence: missense variant.
Genome position (GRCh38, 1-based): chr1:119,923,928, T>C on the plus strand (A>G on the coding strand, the complement: NOTCH2 is on the minus strand). VCF-style: chr1-119923928-T-C. GRCh37 (hg19) VCF-style: chr1-120466551-T-C.
Other names: short protein forms N1523S.
Identifiers: ClinVar variation 4999931 (VCV004999931.1).